The following is an entry in ClinVar:

NM_003743.5(NCOA1):c.1567A>G (p.Ser523Gly)

Gene: NCOA1 (nuclear receptor coactivator 1; plus strand). Cytogenetic location: 2p23.3.
Variant type: single nucleotide variant.
Coding change: c.1567A>G on transcript NM_003743.5 (MANE Select); coding-DNA position 1567, A replaced by G.
Protein change: p.Ser523Gly; replaces serine 523 with glycine.
Molecular consequence: missense variant.
Genome position (GRCh38, 1-based): chr2:24,707,037, A>G. VCF-style: chr2-24707037-A-G. GRCh37 (hg19) VCF-style: chr2-24929906-A-G.
Other names: c.1567A>G, p.Ser523Gly (NM_001362950.1, NM_001362952.1, NM_001362954.1 and 3 more transcripts); short protein forms S523G.
Identifiers: ClinVar variation 3350850 (VCV003350850.1).
Genomic context (GRCh38, chr2:24,707,037, plus strand): 5'-ATGCCAAACAATTCCTTTCCTCCTAATATTTCGACATTAAGCTCTCCCGTTGGCATGACA[A>G]GTAGTGCCTGTAATAATAATAACCGATCTTATTCAAACATCCCAGTAACATCTTTACAGG-3'
Protein context (NP_003734.3, residues 513-533): STLSSPVGMT[Ser523Gly]SACNNNNRSY

ClinVar aggregate classification (germline): Uncertain significance (0 of 4 stars; one submission).

Conditions:
NCOA1-related disorder. Also called: NCOA1-related condition.

gnomAD v4.1: 34 of 1,614,112 alleles (0.0021%); highest among the groups gnomAD compares: African/African-American, 0.012%; no homozygotes.

Submission:

PreventionGenetics, part of Exact Sciences
Classification: Uncertain significance for NCOA1-related condition. Last evaluated: 2024-04-17. Review status: no assertion criteria provided. Collection method: clinical testing. Allele origin: germline.
Comment: The NCOA1 c.1567A>G variant is predicted to result in the amino acid substitution p.Ser523Gly. To our knowledge, this variant has not been reported in the literature. This variant is reported in 0.012% of alleles in individuals of African descent in gnomAD. At this time, the clinical significance of this variant is uncertain due to the absence of conclusive functional and genetic evidence.